The following is an entry in ClinVar:

NM_015346.4(ZFYVE26):c.280C>T (p.Leu94Phe)

Gene: ZFYVE26 (zinc finger FYVE-type containing 26; minus strand). Cytogenetic location: 14q24.1.
Variant type: single nucleotide variant.
Coding change: c.280C>T on transcript NM_015346.4 (MANE Select); coding-DNA position 280, C replaced by T.
Protein change: p.Leu94Phe; replaces leucine 94 with phenylalanine.
Molecular consequence: missense variant.
Genome position (GRCh38, 1-based): chr14:67,809,283, G>A on the plus strand (C>T on the coding strand, the complement: ZFYVE26 is on the minus strand). VCF-style: chr14-67809283-G-A. GRCh37 (hg19) VCF-style: chr14-68276000-G-A.
Other names: short protein forms L94F.
Identifiers: ClinVar variation 1984353 (VCV001984353.4), dbSNP rs754738047, ClinGen allele CA7240831.

ClinVar aggregate classification (germline): Uncertain significance. Review status: criteria provided, multiple submitters, no conflicts (2 of 4 stars). 2 submissions from 2 submitters: Uncertain significance (2). Last evaluated 2024-10-29.

Conditions:
Spastic paraplegia. Identifiers: MedGen C0037772, HP:0001258.

Allele frequency attached by ClinVar (database versions not stated): ExAC 0.00001; gnomAD 0.00001; gnomAD exomes 0.00002.
gnomAD v4.1: 28 of 1,612,296 alleles (0.0017%); highest among the groups gnomAD compares: Admixed American, 0.022%; no homozygotes.

Submissions (2):

Labcorp Genetics (formerly Invitae), Labcorp
Classification: Uncertain significance for Spastic paraplegia. Last evaluated: 2024-10-29. Review status: criteria provided, single submitter. Criteria: Invitae Variant Classification Sherloc (09022015). Collection method: clinical testing. Allele origin: germline.
Comment: This sequence change replaces leucine, which is neutral and non-polar, with phenylalanine, which is neutral and non-polar, at codon 94 of the ZFYVE26 protein (p.Leu94Phe). This variant is present in population databases (rs754738047, gnomAD 0.03%). This variant has not been reported in the literature in individuals affected with ZFYVE26-related conditions. ClinVar contains an entry for this variant (Variation ID: 1984353). An algorithm developed to predict the effect of missense changes on protein structure and function (PolyPhen-2) suggests that this variant is likely to be tolerated. In summary, the available evidence is currently insufficient to determine the role of this variant in disease. Therefore, it has been classified as a Variant of Uncertain Significance.

Blueprint Genetics
Classification: Uncertain significance. Last evaluated: 2024-04-22. Review status: criteria provided, single submitter. Criteria: ACMG Guidelines, 2015. Collection method: clinical testing. Allele origin: germline.